The following is an entry in ClinVar:

NM_001164508.2(NEB):c.4670A>G (p.Asp1557Gly)

Gene: NEB (nebulin; minus strand). Cytogenetic location: 2q23.3.
Variant type: single nucleotide variant.
Coding change: c.4670A>G on transcript NM_001164508.2 (MANE Select); coding-DNA position 4670, A replaced by G.
Protein change: p.Asp1557Gly; replaces aspartic acid 1557 with glycine.
Molecular consequence: missense variant.
Genome position (GRCh38, 1-based): chr2:151,667,853, T>C on the plus strand (A>G on the coding strand, the complement: NEB is on the minus strand). VCF-style: chr2-151667853-T-C. GRCh37 (hg19) VCF-style: chr2-152524367-T-C.
Other names: c.4670A>G, p.Asp1557Gly (NM_001164507.2, NM_001271208.2, NM_004543.5); short protein forms D1557G.
Identifiers: ClinVar variation 1385579 (VCV001385579.8), dbSNP rs774802662, ClinGen allele CA1910563.

ClinVar aggregate classification (germline): Uncertain significance. Review status: criteria provided, multiple submitters, no conflicts (2 of 4 stars). 2 submissions from 2 submitters: Uncertain significance (2). Last evaluated 2025-04-30.

Conditions:
Nemaline myopathy 2 (NEM2). Also called: Nemaline myopathy 2, autosomal recessive. Identifiers: MedGen C1850569, MONDO:0009725, OMIM 256030.

Allele frequency attached by ClinVar (database versions not stated): TOPMed below 0.00001; gnomAD 0.00001; gnomAD exomes 0.00001 and 0.00002; ExAC 0.00002.
gnomAD v4.1: 24 of 1,612,876 alleles (0.0015%); highest among the groups gnomAD compares: Non-Finnish European, 0.0019%; no homozygotes.

Submissions (2):

Labcorp Genetics (formerly Invitae), Labcorp
Classification: Uncertain significance for Nemaline myopathy 2. Last evaluated: 2025-04-30. Review status: criteria provided, single submitter. Criteria: Invitae Variant Classification Sherloc (09022015). Collection method: clinical testing. Allele origin: germline.
Comment: This sequence change replaces aspartic acid, which is acidic and polar, with glycine, which is neutral and non-polar, at codon 1557 of the NEB protein (p.Asp1557Gly). This variant is present in population databases (rs774802662, gnomAD 0.004%). This variant has not been reported in the literature in individuals affected with NEB-related conditions. ClinVar contains an entry for this variant (Variation ID: 1385579). Experimental studies and prediction algorithms are not available or were not evaluated, and the functional significance of this variant is currently unknown. In summary, the available evidence is currently insufficient to determine the role of this variant in disease. Therefore, it has been classified as a Variant of Uncertain Significance.

Revvity Omics, Revvity
Classification: Uncertain significance. Last evaluated: 2023-01-26. Review status: criteria provided, single submitter. Criteria: ACMG Guidelines, 2015. Collection method: clinical testing. Allele origin: germline.